The following is an entry in ClinVar:

ClinVar aggregate classification (germline): Uncertain significance (1 of 4 stars; one submission).

Submission:

Dasa
Classification: Uncertain significance. Last evaluated: 2025-09-16. Review status: criteria provided, single submitter. Criteria: DASA Assertion Criteria. Collection method: clinical testing. Allele origin: germline.
Comment: NM_006343.3(MERTK):c.1584A>T (p.Arg528Ser) is a missense variant that results in the substitution of arginine with serine. This variant is absent from population databases. The currently available literature and clinical evidence are not sufficient to establish a definitive association between this variant and the reported condition. Therefore, this variant is classified as a variant of uncertain significance.

NM_006343.3(MERTK):c.1584A>T (p.Arg528Ser)

Gene: MERTK (MER proto-oncogene, tyrosine kinase; plus strand). Cytogenetic location: 2q13.
Variant type: single nucleotide variant.
Coding change: c.1584A>T on transcript NM_006343.3 (MANE Select); coding-DNA position 1584, A replaced by T.
Protein change: p.Arg528Ser; replaces arginine 528 with serine.
Molecular consequence: missense variant.
Genome position (GRCh38, 1-based): chr2:111,997,456, A>T. VCF-style: chr2-111997456-A-T. GRCh37 (hg19) VCF-style: chr2-112755033-A-T.
Other names: short protein forms R528S.
Identifiers: ClinVar variation 5020862 (VCV005020862.1).